The following is an entry in ClinVar:

ClinVar aggregate classification (germline): Uncertain significance (1 of 4 stars; one submission).

Conditions:
Werner syndrome (WRN). Identifiers: Orphanet 902, MedGen C0043119, MONDO:0010196, OMIM 277700.

Submission:

Labcorp Genetics (formerly Invitae), Labcorp
Classification: Uncertain significance for Werner syndrome. Last evaluated: 2025-01-13. Review status: criteria provided, single submitter. Criteria: Invitae Variant Classification Sherloc (09022015). Collection method: clinical testing. Allele origin: germline.
Comment: This sequence change replaces isoleucine, which is neutral and non-polar, with threonine, which is neutral and polar, at codon 660 of the WRN protein (p.Ile660Thr). This variant is not present in population databases (gnomAD no frequency). This variant has not been reported in the literature in individuals affected with WRN-related conditions. ClinVar contains an entry for this variant (Variation ID: 2148337). An algorithm developed to predict the effect of missense changes on protein structure and function (PolyPhen-2) suggests that this variant is likely to be tolerated. In summary, the available evidence is currently insufficient to determine the role of this variant in disease. Therefore, it has been classified as a Variant of Uncertain Significance.

NM_000553.6(WRN):c.1979T>C (p.Ile660Thr)

Gene: WRN (WRN RecQ like helicase; plus strand). Cytogenetic location: 8p12.
Variant type: single nucleotide variant.
Coding change: c.1979T>C on transcript NM_000553.6 (MANE Select); coding-DNA position 1979, T replaced by C.
Protein change: p.Ile660Thr; replaces isoleucine 660 with threonine.
Molecular consequence: missense variant.
Genome position (GRCh38, 1-based): chr8:31,096,848, T>C. VCF-style: chr8-31096848-T-C. GRCh37 (hg19) VCF-style: chr8-30954364-T-C.
Other names: short protein forms I660T.
Identifiers: ClinVar variation 2148337 (VCV002148337.3), dbSNP rs942650865, ClinGen allele CA174871264.